The following is an entry in ClinVar:

ClinVar aggregate classification (germline): Uncertain significance (1 of 4 stars; one submission).

Conditions:
Bloom syndrome (BLM). Also called: Bloom-Torre-Machacek syndrome. Identifiers: Orphanet 125, MedGen C0005859, MONDO:0008876, OMIM 210900.

Submission:

Labcorp Genetics (formerly Invitae), Labcorp
Classification: Uncertain significance for Bloom syndrome. Last evaluated: 2024-01-30. Review status: criteria provided, single submitter. Criteria: Invitae Variant Classification Sherloc (09022015). Collection method: clinical testing. Allele origin: germline.
Comment: This sequence change replaces arginine, which is basic and polar, with lysine, which is basic and polar, at codon 1000 of the BLM protein (p.Arg1000Lys). This variant is not present in population databases (gnomAD no frequency). This variant has not been reported in the literature in individuals affected with BLM-related conditions. Advanced modeling of protein sequence and biophysical properties (such as structural, functional, and spatial information, amino acid conservation, physicochemical variation, residue mobility, and thermodynamic stability) has been performed at Invitae for this missense variant, however the output from this modeling did not meet the statistical confidence thresholds required to predict the impact of this variant on BLM protein function. In summary, the available evidence is currently insufficient to determine the role of this variant in disease. Therefore, it has been classified as a Variant of Uncertain Significance.

NM_000057.4(BLM):c.2999G>A (p.Arg1000Lys)

Gene: BLM (BLM RecQ like helicase; plus strand). Cytogenetic location: 15q26.1.
Variant type: single nucleotide variant.
Coding change: c.2999G>A on transcript NM_000057.4 (MANE Select); coding-DNA position 2999, G replaced by A.
Protein change: p.Arg1000Lys; replaces arginine 1000 with lysine.
Molecular consequence: missense variant.
Genome position (GRCh38, 1-based): chr15:90,790,824, G>A. VCF-style: chr15-90790824-G-A. GRCh37 (hg19) VCF-style: chr15-91334054-G-A.
Other names: c.2999G>A, p.Arg1000Lys (NM_001287246.2, NM_001287247.2); c.1874G>A, p.Arg625Lys (NM_001287248.2); short protein forms R1000K, R625K.
Identifiers: ClinVar variation 3623196 (VCV003623196.2).